The following is an entry in ClinVar:

ClinVar aggregate classification (germline): Uncertain significance. Review status: criteria provided, single submitter (1 of 4 stars). 2 submissions from 2 submitters: Uncertain significance (1). 1 of the submissions does not count toward it. Last evaluated 2022-01-03.

Conditions:
Usher syndrome type 2A. Also called: RETINAL DISEASE IN USHER SYNDROME TYPE IIA, MODIFIER OF; USHER SYNDROME, TYPE IIA. Identifiers: Orphanet 231178, Orphanet 886, MedGen C1848634, MONDO:0010169, OMIM 276901.

Allele frequency attached by ClinVar (database versions not stated): ExAC 0.00001.
gnomAD v4.1: 13 of 1,613,890 alleles (0.00081%); highest among the groups gnomAD compares: East Asian, 0.0045%; no homozygotes.

Submissions (2):

Labcorp Genetics (formerly Invitae), Labcorp
Classification: Uncertain significance. Last evaluated: 2022-01-03. Review status: criteria provided, single submitter. Criteria: Invitae Variant Classification Sherloc (09022015). Collection method: clinical testing. Allele origin: germline.
Comment: This sequence change replaces arginine, which is basic and polar, with glutamine, which is neutral and polar, at codon 737 of the USH2A protein (p.Arg737Gln). This variant is present in population databases (rs778957703, gnomAD 0.01%). This variant has not been reported in the literature in individuals affected with USH2A-related conditions. ClinVar contains an entry for this variant (Variation ID: 1056683). Algorithms developed to predict the effect of missense changes on protein structure and function output the following: SIFT: "Tolerated"; PolyPhen-2: "Benign"; Align-GVGD: "Class C0". The glutamine amino acid residue is found in multiple mammalian species, which suggests that this missense change does not adversely affect protein function. In summary, the available evidence is currently insufficient to determine the role of this variant in disease. Therefore, it has been classified as a Variant of Uncertain Significance.

Natera, Inc.
Classification: Uncertain significance for Usher syndrome type 2A. Last evaluated: 2020-01-24. Review status: no assertion criteria provided. Collection method: clinical testing. Allele origin: germline. Not counted in ClinVar's aggregate classification.

NM_206933.4(USH2A):c.2210G>A (p.Arg737Gln)

Gene: USH2A (usherin; minus strand). Cytogenetic location: 1q41.
Variant type: single nucleotide variant.
Coding change: c.2210G>A on transcript NM_206933.4 (MANE Select); coding-DNA position 2210, G replaced by A.
Protein change: p.Arg737Gln; replaces arginine 737 with glutamine.
Molecular consequence: missense variant.
Genome position (GRCh38, 1-based): chr1:216,247,184, C>T on the plus strand (G>A on the coding strand, the complement: USH2A is on the minus strand). VCF-style: chr1-216247184-C-T. GRCh37 (hg19) VCF-style: chr1-216420526-C-T.
Other names: c.2210G>A, p.Arg737Gln (NM_007123.6); short protein forms R737Q.
Identifiers: ClinVar variation 1056683 (VCV001056683.7), dbSNP rs778957703, ClinGen allele CA1396264.
Genomic context (GRCh38, chr1:216,247,184, plus strand): 5'-TTGTTCACTGAGCCATGGAGGTTACACTGGCAGGGCTCACATCCAACATCATTAAAGCTT[C>T]GGAGAAATTTAAATCCAAAATTGCAATGATCACACCTAAGCCCTAAAGATAAAATATATT-3'
Protein context (NP_996816.3, residues 727-747): DHCNFGFKFL[Arg737Gln]SFNDVGCEPC